The following is an entry in ClinVar:

NM_015896.4(ZMYND10):c.621C>T (p.Ser207=)

Gene: ZMYND10 (zinc finger MYND-type containing 10; minus strand). Cytogenetic location: 3p21.31.
Variant type: single nucleotide variant.
Coding change: c.621C>T on transcript NM_015896.4 (MANE Select); coding-DNA position 621, C replaced by T.
Protein change: p.Ser207=; no amino-acid change (serine 207 retained).
Molecular consequence: synonymous variant. On other transcripts: intron variant (1).
Genome position (GRCh38, 1-based): chr3:50,342,997, G>A on the plus strand (C>T on the coding strand, the complement: ZMYND10 is on the minus strand). VCF-style: chr3-50342997-G-A. GRCh37 (hg19) VCF-style: chr3-50380428-G-A.
Other names: c.599+121C>T (NM_001308379.2).
Identifiers: ClinVar variation 697918 (VCV000697918.15), dbSNP rs777911817, ClinGen allele CA2417146.

ClinVar aggregate classification (germline): Likely benign. Review status: criteria provided, multiple submitters, no conflicts (2 of 4 stars). 2 submissions from 2 submitters: Likely benign (2). Last evaluated 2025-09-01.

Conditions:
Primary ciliary dyskinesia. Also called: Ciliary dyskinesia. Identifiers: Orphanet 244, MedGen C0008780, MONDO:0016575, HP:0012265.

Allele frequency attached by ClinVar (database versions not stated): gnomAD exomes below 0.00001 and 0.00001; ExAC 0.00001.

Submissions (2):

CeGaT Center for Human Genetics Tuebingen
Classification: Likely benign. Last evaluated: 2025-09-01. Review status: criteria provided, single submitter. Criteria: CeGaT Center For Human Genetics Tuebingen Variant Classification Criteria Version 2. Collection method: clinical testing. Allele origin: germline. Affected: yes. Observed: 1 variant allele.
Comment: ZMYND10: BP4, BP7

Labcorp Genetics (formerly Invitae), Labcorp
Classification: Likely benign for Primary ciliary dyskinesia. Last evaluated: 2022-09-07. Review status: criteria provided, single submitter. Criteria: Invitae Variant Classification Sherloc (09022015). Collection method: clinical testing. Allele origin: germline.